The following continues an entry in ClinVar:

NM_000297.4(PKD2):c.1249C>T (p.Arg417Ter)

Gene: PKD2. ClinVar aggregate classification (germline): Pathogenic/Likely pathogenic. Pathogenic (19); Likely pathogenic (1).

Submissions 15 to 24 of 24:

Victorian Clinical Genetics Services, Murdoch Childrens Research Institute
Classification: Pathogenic for Polycystic kidney disease 2. Last evaluated: 2022-03-31. Review status: criteria provided, single submitter. Criteria: ACMG Guidelines, 2015. Collection method: clinical testing. Allele origin: germline. Inheritance: Autosomal dominant inheritance.
Comment: Based on the classification scheme VCGS_Germline_v1.3.4, this variant is classified as Pathogenic. Following criteria are met: 0102 - Loss of function is a known mechanism of disease in this gene and is associated with polycystic kidney disease 2 (MIM#613095). (I) 0107 - This gene is associated with autosomal dominant disease. (I) 0201 - Variant is predicted to cause nonsense-mediated decay (NMD) and loss of protein (premature termination codon is located at least 54 nucleotides upstream of the final exon-exon junction). (SP) 0251 - This variant is heterozygous. (I) 0302 - Variant is present in gnomAD (v2, v3) <0.001 for a dominant condition (2 heterozygotes, 0 homozygotes). (SP) 0701 - Other null variants comparable to the one identified in this case have very strong previous evidence for pathogenicity. There are a large number of NMD-predicted variants that have been identified in affected individuals and classified as likely pathogenic or pathogenic (ClinVar, PMID: 28356211). (SP) 0801 - This variant has strong previous evidence of pathogenicity in unrelated individuals. This variant has been reported in multiple individuals with autosomal dominant polycystic kidney disease (ClinVar, ADPKD variant database, PMIDs: 28356211, 33964006). (SP) 1208 - Inheritance information for this variant is not currently available in this individual. (I) Legend: (SP) - Supporting pathogenic, (I) - Information, (SB) - Supporting benign

MGZ Medical Genetics Center
Classification: Pathogenic for Polycystic kidney disease 2. Last evaluated: 2021-11-08. Review status: criteria provided, single submitter. Criteria: ACMG Guidelines, 2015. Collection method: clinical testing. Allele origin: germline. Affected: yes. Observed: 1 variant allele.
Comment: ACMG criteria applied: PVS1, PS4_MOD, PM2_SUP, PP4

Molecular Biology Laboratory, Fundació Puigvert
Classification: Pathogenic for Polycystic kidney disease 2. Last evaluated: 2020-02-01. Review status: criteria provided, single submitter. Criteria: ACMG Guidelines, 2015. Collection method: research. Allele origin: germline. Affected: yes. Study: KidneyPanel_2020.

Cambridge Genomics Laboratory, East Genomic Laboratory Hub, NHS Genomic Medicine Service
Classification: Pathogenic for Biliary tract abnormality. Last evaluated: 2019-09-16. Review status: criteria provided, single submitter. Criteria: ACGS Best Practice Guidelines for Variant Classification in Rare Disease 2020. Collection method: clinical testing. Allele origin: germline. Affected: yes. Observed: 1 variant allele.

Gharavi Laboratory, Columbia University
Classification: Pathogenic. Last evaluated: 2018-09-16. Review status: criteria provided, single submitter. Criteria: ACMG Guidelines, 2015. Collection method: research. Allele origin: germline. Affected: yes.

Juno Genomics, Hangzhou Juno Genomics, Inc
Classification: Pathogenic for Polycystic kidney disease 2. Review status: criteria provided, single submitter. Criteria: ACMG Guidelines, 2015. Collection method: clinical testing. Allele origin: germline. Affected: yes.
Comment: Absent from controls (or at extremely low frequency if recessive) in Genome Aggregation Database.;The prevalence of the variant in affected individuals is significantly increased compared to the prevalence in controls.;Co-segregation with disease in multiple affected family members.;Null variant in a gene where loss of function (LOF) is a known mechanism of disease.

Department of Pathology and Laboratory Medicine, Sinai Health System
Classification: Pathogenic for Polycystic Kidney disease. Review status: no assertion criteria provided. Collection method: clinical testing. Allele origin: unknown. Affected: yes. Study: The Canadian Open Genetics Repository (COGR). Not counted in ClinVar's aggregate classification.
Comment: The PKD2 p.Arg417* variant was identified in 17 of 2768 proband chromosomes (frequency: 0.006) from individuals or families with ADPKD (Audrezet 2012, Hoefele 2011, Hwang 2016, Pei 1998, Rossetti 2012, Torra 1999, Torra 2000, Zhang 2004). The variant was also identified in ClinVar (classified as pathogenic by Gharavi Laboratory, Columbia University), LOVD 3.0 (2x), and in ADPKD Mutation Database (as definitely pathogenic). The variant was not identified in dbSNP, or PKD1-LOVD. The variant was identified in control databases in 1 of 245880 chromosomes at a frequency of 0.000004 (Genome Aggregation Database Feb 27, 2017). The variant was observed in the African population in 1 of 15300 chromosomes (freq: 0.00007), while the variant was not observed in the Other, Latino, European, Ashkenazi Jewish, East Asian, Finnish, and South Asian populations. The c.1249C>T variant leads to a premature stop codon at position 417 which is predicted to lead to a truncated or absent protein and loss of function. Loss of function variants of the PKD2 gene are an established mechanism of disease in ADPKD and is the type of variant expected to cause the disorder. In summary, based on the above information this variant meets our laboratoryâ€šÃ„Ã´s criteria to be classified as pathogenic.

Genome Diagnostics Laboratory, University Medical Center Utrecht
Classification: Pathogenic. Review status: no assertion criteria provided. Collection method: clinical testing. Allele origin: germline. Affected: yes. Study: VKGL Data-share Consensus. Not counted in ClinVar's aggregate classification.

Joint Genome Diagnostic Labs from Nijmegen and Maastricht, Radboudumc and MUMC+
Classification: Pathogenic. Review status: no assertion criteria provided. Collection method: clinical testing. Allele origin: germline. Affected: yes. Study: VKGL Data-share Consensus. Not counted in ClinVar's aggregate classification.

Laboratory of Diagnostic Genome Analysis, Leiden University Medical Center (LUMC)
Classification: Pathogenic. Review status: no assertion criteria provided. Collection method: clinical testing. Allele origin: germline. Affected: yes. Study: VKGL Data-share Consensus. Not counted in ClinVar's aggregate classification.

Literature cited by the submitters: PubMed 10411676 (cited by Ambry Genetics and Mayo Clinic Laboratories, Mayo Clinic); PubMed 15775720 (cited by Ambry Genetics and Mayo Clinic Laboratories, Mayo Clinic); PubMed 22383692 (cited by Ambry Genetics and Mayo Clinic Laboratories, Mayo Clinic); PubMed 28356211 (cited by Ambry Genetics and Victorian Clinical Genetics Services, Murdoch Childrens Research Institute); PubMed 31740684 (cited by 5 submitters); PubMed 36573973 (cited by Ambry Genetics and Mayo Clinic Laboratories, Mayo Clinic); PubMed 36938073 (cited by Ambry Genetics and Mayo Clinic Laboratories, Mayo Clinic); PubMed 37372416 (cited by Ambry Genetics and Mayo Clinic Laboratories, Mayo Clinic); PubMed 37509056 (cited by Ambry Genetics and Mayo Clinic Laboratories, Mayo Clinic); PubMed 8650545 (cited by Variantyx, Inc.); PubMed 9402976 (cited by Variantyx, Inc.); PubMed 22863349 (cited by Variantyx, Inc. and Labcorp Genetics (formerly Invitae), Labcorp); PubMed 30586318 (cited by 3 submitters); PubMed 30820006 (cited by 3 submitters); PubMed 22508176 (cited by Variantyx, Inc. and Athena Diagnostics); PubMed 34101167 (cited by 3 submitters); PubMed 21115670 (cited by Variantyx, Inc. and Mayo Clinic Laboratories, Mayo Clinic); PubMed 10760080 (cited by 3 submitters); PubMed 23300259 (cited by Variantyx, Inc.); PubMed 29520754 (cited by Variantyx, Inc.); PubMed 9773786 (cited by 4 submitters); PubMed 11007674 (cited by Mayo Clinic Laboratories, Mayo Clinic); PubMed 2508176 (cited by Mayo Clinic Laboratories, Mayo Clinic); PubMed 26453610 (cited by Mayo Clinic Laboratories, Mayo Clinic and Athena Diagnostics); PubMed 33532864 (cited by 3 submitters); PubMed 33964006 (cited by 3 submitters); PubMed 37419908 (cited by Mayo Clinic Laboratories, Mayo Clinic); PubMed 17582161 (cited by Labcorp Genetics (formerly Invitae), Labcorp); PubMed 15192819 (cited by Athena Diagnostics); PubMed 31056860 (cited by Athena Diagnostics).